The following is an entry in ClinVar:

NM_014319.5(LEMD3):c.206A>G (p.Asn69Ser)

Gene: LEMD3 (LEM domain containing 3; plus strand). Cytogenetic location: 12q14.3.
Variant type: single nucleotide variant.
Coding change: c.206A>G on transcript NM_014319.5 (MANE Select); coding-DNA position 206, A replaced by G.
Protein change: p.Asn69Ser; replaces asparagine 69 with serine.
Molecular consequence: missense variant.
Genome position (GRCh38, 1-based): chr12:65,169,802, A>G. VCF-style: chr12-65169802-A-G. GRCh37 (hg19) VCF-style: chr12-65563582-A-G.
Other names: c.206A>G, p.Asn69Ser (NM_001167614.2); c.206A>G (NM_014319.4); short protein forms N69S.
Identifiers: ClinVar variation 1354890 (VCV001354890.7), dbSNP rs928429096, ClinGen allele CA238907661.

ClinVar aggregate classification (germline): Uncertain significance. Review status: criteria provided, multiple submitters, no conflicts (2 of 4 stars). 3 submissions from 3 submitters: Uncertain significance (3). Last evaluated 2025-07-14.

Conditions:
LEMD3-related disorder. Also called: LEMD3-related condition.
Inborn genetic diseases. Identifiers: MedGen C0950123, MeSH D030342.

Allele frequency attached by ClinVar (database versions not stated): gnomAD exomes below 0.00001 and 0.00001; gnomAD 0.00001; TOPMed 0.00002.
gnomAD v4.1: 8 of 1,519,386 alleles (0.00053%); highest among the groups gnomAD compares: African/African-American, 0.0028%; no homozygotes.

Submissions (3):

Ambry Genetics
Classification: Uncertain significance for Inborn genetic diseases. Last evaluated: 2025-07-14. Review status: criteria provided, single submitter. Criteria: Ambry Variant Classification Scheme 2023. Collection method: clinical testing. Allele origin: germline.

Labcorp Genetics (formerly Invitae), Labcorp
Classification: Uncertain significance. Last evaluated: 2025-04-10. Review status: criteria provided, single submitter. Criteria: Invitae Variant Classification Sherloc (09022015). Collection method: clinical testing. Allele origin: germline.
Comment: This sequence change replaces asparagine, which is neutral and polar, with serine, which is neutral and polar, at codon 69 of the LEMD3 protein (p.Asn69Ser). This variant is present in population databases (no rsID available, gnomAD 0.02%). This variant has not been reported in the literature in individuals affected with LEMD3-related conditions. ClinVar contains an entry for this variant (Variation ID: 1354890). An algorithm developed to predict the effect of missense changes on protein structure and function (PolyPhen-2) suggests that this variant is likely to be disruptive. In summary, the available evidence is currently insufficient to determine the role of this variant in disease. Therefore, it has been classified as a Variant of Uncertain Significance.

PreventionGenetics, part of Exact Sciences
Classification: Uncertain significance for LEMD3-related condition. Last evaluated: 2023-04-24. Review status: criteria provided, single submitter. Criteria: ACMG Guidelines, 2015. Collection method: clinical testing. Allele origin: germline.
Comment: The LEMD3 c.206A>G variant is predicted to result in the amino acid substitution p.Asn69Ser. To our knowledge, this variant has not been reported in the literature. This variant is reported in 0.014% of alleles in individuals of African descent in gnomAD. At this time, the clinical significance of this variant is uncertain due to the absence of conclusive functional and genetic evidence.